The following is an entry in ClinVar:

ClinVar aggregate classification (germline): Uncertain significance (1 of 4 stars; one submission).

Conditions:
Pyruvate carboxylase deficiency. Also called: LEIGH NECROTIZING ENCEPHALOPATHY DUE TO PYRUVATE CARBOXYLASE DEFICIENCY; LEIGH SYNDROME DUE TO PYRUVATE CARBOXYLASE DEFICIENCY; PC DEFICIENCY; Pyruvate Carboxylase Deficiency Disease; ATAXIA WITH LACTIC ACIDOSIS II. Identifiers: Orphanet 3008, MedGen C0034341, MONDO:0009949, OMIM 266150.

Allele frequency attached by ClinVar (database versions not stated): TOPMed 0.00001; ExAC 0.00002; gnomAD exomes 0.00002.
gnomAD v4.1: 33 of 1,614,138 alleles (0.002%); highest among the groups gnomAD compares: South Asian, 0.0033%; no homozygotes.

Submission:

Labcorp Genetics (formerly Invitae), Labcorp
Classification: Uncertain significance for Pyruvate carboxylase deficiency. Last evaluated: 2022-06-20. Review status: criteria provided, single submitter. Criteria: Invitae Variant Classification Sherloc (09022015). Collection method: clinical testing. Allele origin: germline.
Comment: This sequence change replaces valine, which is neutral and non-polar, with methionine, which is neutral and non-polar, at codon 658 of the PC protein (p.Val658Met). This variant is present in population databases (rs770207003, gnomAD 0.002%). This variant has not been reported in the literature in individuals affected with PC-related conditions. Algorithms developed to predict the effect of missense changes on protein structure and function are either unavailable or do not agree on the potential impact of this missense change (SIFT: "Deleterious"; PolyPhen-2: "Probably Damaging"; Align-GVGD: "Class C0"). In summary, the available evidence is currently insufficient to determine the role of this variant in disease. Therefore, it has been classified as a Variant of Uncertain Significance.

NM_001040716.2(PC):c.1972G>A (p.Val658Met)

Gene: PC (pyruvate carboxylase; minus strand). Cytogenetic location: 11q13.2.
Variant type: single nucleotide variant.
Coding change: c.1972G>A on transcript NM_001040716.2 (MANE Select); coding-DNA position 1972, G replaced by A.
Protein change: p.Val658Met; replaces valine 658 with methionine.
Molecular consequence: missense variant.
Genome position (GRCh38, 1-based): chr11:66,851,800, C>T on the plus strand (G>A on the coding strand, the complement: PC is on the minus strand). VCF-style: chr11-66851800-C-T. GRCh37 (hg19) VCF-style: chr11-66619271-C-T.
Other names: c.1972G>A, p.Val658Met (NM_000920.4, NM_022172.3); short protein forms V658M.
Identifiers: ClinVar variation 2044631 (VCV002044631.1), dbSNP rs770207003, ClinGen allele CA6131212.